The following is an entry in ClinVar:

ClinVar aggregate classification (germline): Uncertain significance (1 of 4 stars; one submission).

gnomAD v4.1: 3 of 1,209,948 alleles (0.00025%); highest among the groups gnomAD compares: Non-Finnish European, 0.00034%; no homozygotes.

Submission:

GeneDx
Classification: Uncertain significance. Last evaluated: 2024-07-31. Review status: criteria provided, single submitter. Criteria: GeneDx Variant Classification Process June 2021. Collection method: clinical testing. Allele origin: germline. Affected: yes.
Comment: Not observed at significant frequency in large population cohorts (gnomAD); In silico analysis supports that this missense variant has a deleterious effect on protein structure/function; Has not been previously published as pathogenic or benign to our knowledge

NM_153252.5(BRWD3):c.3476C>G (p.Ser1159Cys)

Gene: BRWD3 (bromodomain and WD repeat domain containing 3; minus strand). Cytogenetic location: Xq21.1.
Variant type: single nucleotide variant.
Coding change: c.3476C>G on transcript NM_153252.5 (MANE Select); coding-DNA position 3476, C replaced by G.
Protein change: p.Ser1159Cys; replaces serine 1159 with cysteine.
Molecular consequence: missense variant.
Genome position (GRCh38, 1-based): chrX:80,691,828, G>C on the plus strand (C>G on the coding strand, the complement: BRWD3 is on the minus strand). VCF-style: chrX-80691828-G-C. GRCh37 (hg19) VCF-style: chrX-79947327-G-C.
Other names: short protein forms S1159C.
Identifiers: ClinVar variation 3602546 (VCV003602546.1).